The following is an entry in ClinVar:

ClinVar aggregate classification (germline): Uncertain significance (1 of 4 stars; one submission).

Conditions:
Neurodevelopmental disorder with dysmorphic facies and distal limb anomalies. Identifiers: Orphanet 686482, MedGen C4540327, MONDO:0060596, OMIM 617755.

Submission:

Baylor Genetics
Classification: Uncertain significance for Neurodevelopmental disorder with dysmorphic facies and distal limb anomalies. Last evaluated: 2019-01-17. Review status: criteria provided, single submitter. Criteria: ACMG Guidelines, 2015. Collection method: clinical testing. Allele origin: maternal. Affected: yes.
Comment: This variant was determined to be of uncertain significance according to ACMG Guidelines, 2015 [PMID:25741868].

NM_182641.4(BPTF):c.1864+607T>G

Gene: BPTF (bromodomain PHD finger transcription factor; plus strand). Cytogenetic location: 17q24.2.
Variant type: single nucleotide variant.
Coding change: c.1864+607T>G on transcript NM_182641.4 (MANE Select); 607 bases into the intron after coding-DNA position 1864, T replaced by G.
Molecular consequence: intron variant. On other transcripts: missense variant (1).
Genome position (GRCh38, 1-based): chr17:67,875,627, T>G. VCF-style: chr17-67875627-T-G. GRCh37 (hg19) VCF-style: chr17-65871743-T-G.
Other names: c.1936T>G, p.Ser646Ala (NM_004459.7); short protein forms S646A.
Identifiers: ClinVar variation 1028251 (VCV001028251.1), dbSNP rs2060005250, ClinGen allele CA400714816.